The following is an entry in ClinVar:

NM_005502.4(ABCA1):c.1456G>A (p.Glu486Lys)

Gene: ABCA1 (ATP binding cassette subfamily A member 1; minus strand). Cytogenetic location: 9q31.1.
Variant type: single nucleotide variant.
Coding change: c.1456G>A on transcript NM_005502.4 (MANE Select); coding-DNA position 1456, G replaced by A.
Protein change: p.Glu486Lys; replaces glutamic acid 486 with lysine.
Molecular consequence: missense variant.
Genome position (GRCh38, 1-based): chr9:104,832,627, C>T on the plus strand (G>A on the coding strand, the complement: ABCA1 is on the minus strand). VCF-style: chr9-104832627-C-T. GRCh37 (hg19) VCF-style: chr9-107594908-C-T.
Other names: short protein forms E486K.
Identifiers: ClinVar variation 3835057 (VCV003835057.1).

ClinVar aggregate classification (germline): Uncertain significance (1 of 4 stars; one submission).

Conditions:
Cardiovascular phenotype. Identifiers: MedGen CN230736.

gnomAD v4.1: 1 of 1,614,168 alleles (0.000062%); highest among the groups gnomAD compares: African/African-American, 0.0013%; no homozygotes.

Submission:

Ambry Genetics
Classification: Uncertain significance for Cardiovascular phenotype. Last evaluated: 2025-03-09. Review status: criteria provided, single submitter. Criteria: Ambry Variant Classification Scheme 2023. Collection method: clinical testing. Allele origin: germline.
Comment: The p.E486K variant (also known as c.1456G>A), located in coding exon 11 of the ABCA1 gene, results from a G to A substitution at nucleotide position 1456. The glutamic acid at codon 486 is replaced by lysine, an amino acid with similar properties. This amino acid position is conserved. In addition, the in silico prediction for this alteration is inconclusive. Based on the available evidence, the clinical significance of this variant remains unclear.